The following is an entry in ClinVar:

ClinVar aggregate classification (germline): Benign (1 of 4 stars; one submission).

Conditions:
Familial cancer of breast. Also called: BREAST CANCER, FAMILIAL; Hereditary breast cancer; hereditary breast carcinoma. Identifiers: Orphanet 227535, MedGen C0346153, MONDO:0016419, OMIM 114480. Disease mechanism: loss of function.

Submission:

GeneDx
Classification: Benign for Familial cancer of breast. Last evaluated: 2014-02-28. Review status: criteria provided, single submitter. Criteria: GeneDx Variant Classification (06012015). Collection method: clinical testing. Allele origin: germline. Affected: yes.
Comment: The variant is found in BR-OV-HEREDIC,ENDOM-HEREDIC panel(s).

NM_000059.3:c.1-59_1-57delGAA

Gene: BRCA2 (BRCA2 DNA repair associated; plus strand). Cytogenetic location: 13q13.1.
Variant type: Deletion.
Other names: c.1-59_1-57del (LRG_293t1).
Identifiers: ClinVar variation 182302 (VCV000182302.2).